The following is an entry in ClinVar:

ClinVar aggregate classification (germline): Pathogenic (1 of 4 stars; one submission).

Conditions:
Familial cancer of breast. Also called: hereditary breast carcinoma; Hereditary breast cancer; BREAST CANCER, FAMILIAL. Identifiers: Orphanet 227535, MedGen C0346153, MONDO:0016419, OMIM 114480. Disease mechanism: loss of function.

Submission:

Myriad Genetics, Inc.
Classification: Pathogenic for Familial cancer of breast. Last evaluated: 2024-09-11. Review status: criteria provided, single submitter. Criteria: Myriad Autosomal Dominant, Autosomal Recessive and X-Linked Classification Criteria (2023). Collection method: clinical testing. Allele origin: unknown.
Comment: This variant is considered pathogenic. This variant creates a frameshift predicted to result in premature protein truncation.

NM_000465.4(BARD1):c.300_307dup (p.Ser103fs)

Gene: BARD1 (BRCA1 associated RING domain 1; minus strand). Cytogenetic location: 2q35.
Variant type: Duplication.
Coding change: c.300_307dup on transcript NM_000465.4 (MANE Select); coding-DNA positions 300 to 307, 8 bases duplicated (ACTGGACA; older notation c.300_307dupACTGGACA).
Protein change: p.Ser103fs; shifts the reading frame from serine 103.
Molecular consequence: frameshift variant. On other transcripts: non-coding transcript variant (1), intron variant (2).
Genome position (GRCh38, 1-based): chr2:214,792,354-214,792,361, TGTCCAGT duplicated on the plus strand (ACTGGACA on the coding strand, the reverse complement: BARD1 is on the minus strand); duplicating any 8 consecutive bases within chr2:214,792,354-214,792,365 gives the same sequence; the c. name uses the placement nearest the transcript's 3' end. VCF-style (leftmost placement, unchanged base first): chr2-214792353-C-CTGTCCAGT. GRCh37 (hg19) VCF-style: chr2-215657077-C-CTGTCCAGT.
Other names: c.243_250dup, p.Ser84fs (NM_001282543.2); c.300_307dup, p.Ser103fs (NM_001282549.2); c.158+17051_158+17058dup (NM_001282548.2); c.215+4700_215+4707dup (NM_001282545.2); short protein forms S103fs, S84fs.
Identifiers: ClinVar variation 3379281 (VCV003379281.1).